The following is an entry in ClinVar:

NM_005718.5(ARPC4):c.475A>G (p.Ile159Val)

Genes: ARPC4 (actin related protein 2/3 complex subunit 4; plus strand), ARPC4-TTLL3 (ARPC4-TTLL3 readthrough; plus strand). Cytogenetic location: 3p25.3.
Variant type: single nucleotide variant.
Coding change: c.475A>G on transcript NM_005718.5 (MANE Select); coding-DNA position 475, A replaced by G.
Protein change: p.Ile159Val; replaces isoleucine 159 with valine.
Molecular consequence: missense variant. On other transcripts: intron variant (1).
Genome position (GRCh38, 1-based): chr3:9,803,987, A>G. VCF-style: chr3-9803987-A-G. GRCh37 (hg19) VCF-style: chr3-9845671-A-G.
Other names: c.205A>G, p.Ile69Val (NM_001024959.3, NM_001024960.3); c.532A>G, p.Ile178Val (NM_001198780.3); c.330+2231A>G (NM_001198793.1); short protein forms I159V, I178V, I69V.
Identifiers: ClinVar variation 3366016 (VCV003366016.1).
Genomic context (GRCh38, chr3:9,803,987, plus strand): 5'-ATGGAGGAGATTGACAAGGAGATCAGTGAGATGAAGCTGTCAGTCAATGCCCGTGCCCGC[A>G]TTGTGGCTGAAGAGTTCCTTAAGAATGTGAGTAGGGGCCTTTAGCTTTCCTTCCAGAGGC-3'
Protein context (NP_005709.1, residues 149-168): MKLSVNARAR[Ile159Val]VAEEFLKNF

ClinVar aggregate classification (germline): Uncertain significance (1 of 4 stars; one submission).

gnomAD v4.1: 2 of 1,614,204 alleles (0.00012%); highest among the groups gnomAD compares: Non-Finnish European, 0.00017%; no homozygotes.

Submission:

GeneDx
Classification: Uncertain significance. Last evaluated: 2023-10-11. Review status: criteria provided, single submitter. Criteria: GeneDx Variant Classification Process June 2021. Collection method: clinical testing. Allele origin: germline. Affected: yes.
Comment: Not observed at significant frequency in large population cohorts (gnomAD); In silico analysis supports that this missense variant does not alter protein structure/function; Has not been previously published as pathogenic or benign to our knowledge